The following is an entry in ClinVar:

ClinVar aggregate classification (germline): Likely benign. Review status: criteria provided, multiple submitters, no conflicts (2 of 4 stars). 2 submissions from 2 submitters: Likely benign (2). Last evaluated 2025-08-07.

Conditions:
KIF1B-related disorder. Also called: KIF1B-related condition.

gnomAD v4.1: 112 of 1,611,354 alleles (0.007%); highest among the groups gnomAD compares: African/African-American, 0.052%; no homozygotes.

Submissions (2):

PreventionGenetics, part of Exact Sciences
Classification: Likely benign for KIF1B-related condition. Last evaluated: 2025-08-07. Review status: criteria provided, single submitter. Criteria: ACMG Guidelines, 2015. Collection method: clinical testing. Allele origin: germline.
Comment: This variant is classified as likely benign based on ACMG/AMP sequence variant interpretation guidelines (Richards et al. 2015 PMID: 25741868, with internal and published modifications).

Blueprint Genetics
Classification: Likely benign. Last evaluated: 2024-04-18. Review status: criteria provided, single submitter. Criteria: ACMG Guidelines, 2015. Collection method: clinical testing. Allele origin: germline.

NM_001365951.3(KIF1B):c.2115+5922G>A

Gene: KIF1B (kinesin family member 1B; plus strand). Cytogenetic location: 1p36.22.
Variant type: single nucleotide variant.
Coding change: c.2115+5922G>A on transcript NM_001365951.3 (MANE Select); 5922 bases into the intron after coding-DNA position 2115, G replaced by A.
Molecular consequence: intron variant. On other transcripts: synonymous variant (2).
Genome position (GRCh38, 1-based): chr1:10,303,168, G>A. VCF-style: chr1-10303168-G-A. GRCh37 (hg19) VCF-style: chr1-10363226-G-A.
Other names: c.1983G>A, p.Ala661= (NM_001365953.1, NM_183416.4); c.1977+5922G>A (NM_015074.3); c.2115+5922G>A (NM_001365952.1); c.1983G>A (NM_183416.3).
Identifiers: ClinVar variation 4954060 (VCV004954060.2).